The following is an entry in ClinVar:

ClinVar aggregate classification (germline): Uncertain significance (1 of 4 stars; one submission).

Conditions:
Brody myopathy. Also called: BRODY DISEASE. Identifiers: Orphanet 53347, MedGen C1832918, MONDO:0010977, OMIM 601003.

Allele frequency attached by ClinVar (database versions not stated): gnomAD exomes below 0.00001; TOPMed 0.00001; gnomAD 0.00003.
gnomAD v4.1: 15 of 1,613,966 alleles (0.00093%); highest among the groups gnomAD compares: African/African-American, 0.0013%; no homozygotes.

Submission:

Labcorp Genetics (formerly Invitae), Labcorp
Classification: Uncertain significance for Brody myopathy. Last evaluated: 2021-08-24. Review status: criteria provided, single submitter. Criteria: Invitae Variant Classification Sherloc (09022015). Collection method: clinical testing. Allele origin: germline.
Comment: This sequence change replaces valine with methionine at codon 104 of the ATP2A1 protein (p.Val104Met). The valine residue is moderately conserved and there is a small physicochemical difference between valine and methionine. This variant is not present in population databases (ExAC no frequency). This variant has not been reported in the literature in individuals affected with ATP2A1-related conditions. Algorithms developed to predict the effect of missense changes on protein structure and function are either unavailable or do not agree on the potential impact of this missense change (SIFT: "Deleterious"; PolyPhen-2: "Probably Damaging"; Align-GVGD: "Class C0"). In summary, the available evidence is currently insufficient to determine the role of this variant in disease. Therefore, it has been classified as a Variant of Uncertain Significance.

NM_004320.6(ATP2A1):c.310G>A (p.Val104Met)

Gene: ATP2A1 (ATPase sarcoplasmic/endoplasmic reticulum Ca2+ transporting 1; plus strand). Cytogenetic location: 16p11.2.
Variant type: single nucleotide variant.
Coding change: c.310G>A on transcript NM_004320.6 (MANE Select); coding-DNA position 310, G replaced by A.
Protein change: p.Val104Met; replaces valine 104 with methionine.
Molecular consequence: missense variant. On other transcripts: 5 prime UTR variant (1).
Genome position (GRCh38, 1-based): chr16:28,881,005, G>A. VCF-style: chr16-28881005-G-A. GRCh37 (hg19) VCF-style: chr16-28892326-G-A.
Other names: c.-66G>A (NM_001286075.2); c.310G>A, p.Val104Met (NM_173201.5); short protein forms V104M.
Identifiers: ClinVar variation 842072 (VCV000842072.7), dbSNP rs1247325735, ClinGen allele CA395400697.